The following is an entry in ClinVar:

ClinVar aggregate classification (germline): Uncertain significance. Review status: criteria provided, multiple submitters, no conflicts (2 of 4 stars). 5 submissions from 5 submitters: Uncertain significance (4). 1 of the submissions does not count toward it. Last evaluated 2026-01-05.

Conditions:
Bone mineral density quantitative trait locus 1 (BMND1). Identifiers: MedGen C1866079, OMIM 601884.
Exudative vitreoretinopathy 4 (EVR4). Identifiers: Orphanet 891, MedGen C1866176, MONDO:0011151, OMIM 601813.
Exudative vitreoretinopathy 1 (EVR1). Also called: CRISWICK-SCHEPENS SYNDROME; FEVR, AUTOSOMAL DOMINANT; Familial exudative vitreoretinopathy, autosomal dominant. Identifiers: Orphanet 891, Orphanet 90050, MedGen C1851402, MONDO:0007589, OMIM 133780.
Autosomal dominant osteopetrosis 1 (OPTA1). Also called: OSTEOPETROSIS, AUTOSOMAL DOMINANT, TYPE I. Identifiers: Orphanet 2783, MedGen C1843330, MONDO:0011877, OMIM 607634.
Osteoporosis. Identifiers: MedGen C0029456, MONDO:0005298, OMIM 166710, HP:0000939.
Polycystic liver disease 4 with or without kidney cysts. Identifiers: MedGen C4693479, MONDO:0044327, OMIM 617875.
Worth disease. Also called: ENDOSTEAL HYPEROSTOSIS, AUTOSOMAL DOMINANT; OSTEOSCLEROSIS, AUTOSOMAL DOMINANT; Autosomal dominant osteosclerosis, Worth type. Identifiers: Orphanet 2790, MedGen C0432273, MONDO:0007764, OMIM 144750.
Osteoporosis with pseudoglioma (OPPG). Also called: osteoporosis-pseudoglioma syndrome. Identifiers: Orphanet 2788, MedGen C0432252, MONDO:0009820, OMIM 259770.
Inborn genetic diseases. Identifiers: MedGen C0950123, MeSH D030342.
LRP5-related disorder. Also called: LRP5-related condition.

Allele frequency attached by ClinVar (database versions not stated): ExAC 0.00003; TOPMed 0.00005; gnomAD 0.00007 and 0.00009.

Submissions (5):

Labcorp Genetics (formerly Invitae), Labcorp
Classification: Uncertain significance. Last evaluated: 2026-01-05. Review status: criteria provided, single submitter. Criteria: Invitae Variant Classification Sherloc (09022015). Collection method: clinical testing. Allele origin: germline.
Comment: This sequence change replaces methionine, which is neutral and non-polar, with threonine, which is neutral and polar, at codon 1464 of the LRP5 protein (p.Met1464Thr). This variant is present in population databases (rs113007633, gnomAD 0.007%). This variant has not been reported in the literature in individuals affected with LRP5-related conditions. ClinVar contains an entry for this variant (Variation ID: 836927). Invitae Evidence Modeling of protein sequence and biophysical properties (such as structural, functional, and spatial information, amino acid conservation, physicochemical variation, residue mobility, and thermodynamic stability) indicates that this missense variant is not expected to disrupt LRP5 protein function with a negative predictive value of 95%. In summary, the available evidence is currently insufficient to determine the role of this variant in disease. Therefore, it has been classified as a Variant of Uncertain Significance.

Blueprint Genetics
Classification: Uncertain significance. Last evaluated: 2024-10-25. Review status: criteria provided, single submitter. Criteria: ACMG Guidelines, 2015. Collection method: clinical testing. Allele origin: germline.

Ambry Genetics
Classification: Uncertain significance for Inborn genetic diseases. Last evaluated: 2024-03-25. Review status: criteria provided, single submitter. Criteria: Ambry Variant Classification Scheme 2023. Collection method: clinical testing. Allele origin: germline.

Fulgent Genetics
Classification: Uncertain significance for Exudative vitreoretinopathy 1; Worth disease; Osteoporosis; Osteoporosis with pseudoglioma; Exudative vitreoretinopathy 4; Bone mineral density quantitative trait locus 1; Autosomal dominant osteopetrosis 1; Polycystic liver disease 4 with or without kidney cysts. Last evaluated: 2022-04-22. Review status: criteria provided, single submitter. Criteria: ACMG Guidelines, 2015. Collection method: clinical testing. Allele origin: unknown.

PreventionGenetics, part of Exact Sciences
Classification: Uncertain significance for LRP5-related condition. Last evaluated: 2024-07-31. Review status: no assertion criteria provided. Collection method: clinical testing. Allele origin: germline. Not counted in ClinVar's aggregate classification.
Comment: The LRP5 c.4391T>C variant is predicted to result in the amino acid substitution p.Met1464Thr. To our knowledge, this variant has not been reported in the literature. This variant is reported in 0.0067% of alleles in individuals of South Asian descent in gnomAD. At this time, the clinical significance of this variant is uncertain due to the absence of conclusive functional and genetic evidence.

NM_002335.4(LRP5):c.4391T>C (p.Met1464Thr)

Gene: LRP5 (LDL receptor related protein 5; plus strand). Cytogenetic location: 11q13.2.
Variant type: single nucleotide variant.
Coding change: c.4391T>C on transcript NM_002335.4 (MANE Select); coding-DNA position 4391, T replaced by C.
Protein change: p.Met1464Thr; replaces methionine 1464 with threonine.
Molecular consequence: missense variant.
Genome position (GRCh38, 1-based): chr11:68,439,819, T>C. VCF-style: chr11-68439819-T-C. GRCh37 (hg19) VCF-style: chr11-68207287-T-C.
Other names: c.2648T>C, p.Met883Thr (NM_001291902.2); c.4391T>C (NM_002335.2); short protein forms M1464T, M883T.
Identifiers: ClinVar variation 836927 (VCV000836927.12), dbSNP rs113007633, ClinGen allele CA6150344.